The following is an entry in ClinVar:

ClinVar aggregate classification (germline): Uncertain significance. Review status: criteria provided, multiple submitters, no conflicts (2 of 4 stars). 2 submissions from 2 submitters: Uncertain significance (2). Last evaluated 2023-06-12.

Allele frequency attached by ClinVar (database versions not stated): ExAC 0.00001.
gnomAD v4.1: 14 of 1,613,758 alleles (0.00087%); highest among the groups gnomAD compares: African/African-American, 0.0013%; no homozygotes.

Submissions (2):

Mayo Clinic Laboratories, Mayo Clinic
Classification: Uncertain significance. Last evaluated: 2023-06-12. Review status: criteria provided, single submitter. Criteria: ACMG Guidelines, 2015. Collection method: clinical testing. Allele origin: germline. Observed: 1 variant allele.
Comment: PM2

Labcorp Genetics (formerly Invitae), Labcorp
Classification: Uncertain significance. Last evaluated: 2022-03-26. Review status: criteria provided, single submitter. Criteria: Invitae Variant Classification Sherloc (09022015). Collection method: clinical testing. Allele origin: germline.
Comment: This variant is present in population databases (rs760470149, gnomAD 0.007%). This variant has not been reported in the literature in individuals affected with CTDP1-related conditions. Algorithms developed to predict the effect of missense changes on protein structure and function are either unavailable or do not agree on the potential impact of this missense change (SIFT: "Deleterious"; PolyPhen-2: "Probably Damaging"; Align-GVGD: "Class C0"). In summary, the available evidence is currently insufficient to determine the role of this variant in disease. Therefore, it has been classified as a Variant of Uncertain Significance. This sequence change replaces leucine, which is neutral and non-polar, with isoleucine, which is neutral and non-polar, at codon 266 of the CTDP1 protein (p.Leu266Ile).

NM_004715.5(CTDP1):c.796C>A (p.Leu266Ile)

Gene: CTDP1 (CTD phosphatase subunit 1; plus strand). Cytogenetic location: 18q23.
Variant type: single nucleotide variant.
Coding change: c.796C>A on transcript NM_004715.5 (MANE Select); coding-DNA position 796, C replaced by A.
Protein change: p.Leu266Ile; replaces leucine 266 with isoleucine.
Molecular consequence: missense variant.
Genome position (GRCh38, 1-based): chr18:79,710,369, C>A. VCF-style: chr18-79710369-C-A. GRCh37 (hg19) VCF-style: chr18-77470369-C-A.
Other names: p.Leu266Ile; c.439C>A, p.Leu147Ile (NM_001202504.1); c.796C>A, p.Leu266Ile (NM_001318511.2, NM_048368.4); short protein forms L266I, L147I.
Identifiers: ClinVar variation 2175716 (VCV002175716.5), dbSNP rs760470149, ClinGen allele CA9010118.